The following is an entry in ClinVar:

NM_005419.4(STAT2):c.1684G>A (p.Glu562Lys)

Gene: STAT2 (signal transducer and activator of transcription 2; minus strand). Cytogenetic location: 12q13.3.
Variant type: single nucleotide variant.
Coding change: c.1684G>A on transcript NM_005419.4 (MANE Select); coding-DNA position 1684, G replaced by A.
Protein change: p.Glu562Lys; replaces glutamic acid 562 with lysine.
Molecular consequence: missense variant.
Genome position (GRCh38, 1-based): chr12:56,348,569, C>T on the plus strand (G>A on the coding strand, the complement: STAT2 is on the minus strand). VCF-style: chr12-56348569-C-T. GRCh37 (hg19) VCF-style: chr12-56742353-C-T.
Other names: c.1651G>A, p.Glu551Lys (NM_001385110.1); c.1585G>A, p.Glu529Lys (NM_001385111.1); c.1684G>A, p.Glu562Lys (NM_001385113.1); c.1663G>A, p.Glu555Lys (NM_001385114.1); c.1642G>A, p.Glu548Lys (NM_001385115.1); c.1672G>A, p.Glu558Lys (NM_198332.2); short protein forms E548K, E555K, E562K, E529K, E551K, E558K.
Identifiers: ClinVar variation 4176392 (VCV004176392.2).

ClinVar aggregate classification (germline): Uncertain significance. Review status: criteria provided, multiple submitters, no conflicts (2 of 4 stars). 2 submissions from 2 submitters: Uncertain significance (2). Last evaluated 2025-10-03.

Conditions:
Inborn genetic diseases. Identifiers: MedGen C0950123, MeSH D030342.
Primary immunodeficiency with post-measles-mumps-rubella vaccine viral infection. Also called: Immunodeficiency 44. Identifiers: Orphanet 431166, MedGen C4225260, MONDO:0014715, OMIM 616636.

gnomAD v4.1: 4 of 1,614,022 alleles (0.00025%); highest among the groups gnomAD compares: Admixed American, 0.0033%; no homozygotes.

Submissions (2):

Labcorp Genetics (formerly Invitae), Labcorp
Classification: Uncertain significance for Primary immunodeficiency with post-measles-mumps-rubella vaccine viral infection. Last evaluated: 2025-10-03. Review status: criteria provided, single submitter. Criteria: Invitae Variant Classification Sherloc (09022015). Collection method: clinical testing. Allele origin: germline.
Comment: This sequence change replaces glutamic acid, which is acidic and polar, with lysine, which is basic and polar, at codon 562 of the STAT2 protein (p.Glu562Lys). This variant is not present in population databases (gnomAD no frequency). This variant has not been reported in the literature in individuals affected with STAT2-related conditions. Invitae Evidence Modeling of protein sequence and biophysical properties (such as structural, functional, and spatial information, amino acid conservation, physicochemical variation, residue mobility, and thermodynamic stability) indicates that this missense variant is not expected to disrupt STAT2 protein function with a negative predictive value of 80%. In summary, the available evidence is currently insufficient to determine the role of this variant in disease. Therefore, it has been classified as a Variant of Uncertain Significance.

Ambry Genetics
Classification: Uncertain significance for Inborn genetic diseases. Last evaluated: 2025-08-14. Review status: criteria provided, single submitter. Criteria: Ambry Variant Classification Scheme 2023. Collection method: clinical testing. Allele origin: germline.